The following is an entry in ClinVar:

NM_000159.4(GCDH):c.1286C>T (p.Thr429Met)

Genes: GCDH (glutaryl-CoA dehydrogenase; plus strand), SYCE2 (synaptonemal complex central element protein 2; minus strand), LOC126862860 (BRD4-independent group 4 enhancer GRCh37_chr19:13010146-13011345; plus strand). Cytogenetic location: 19p13.13.
Variant type: single nucleotide variant.
Coding change: c.1286C>T on transcript NM_000159.4 (MANE Select); coding-DNA position 1286, C replaced by T.
Protein change: p.Thr429Met; replaces threonine 429 with methionine.
Molecular consequence: missense variant. On other transcripts: non-coding transcript variant (2), intron variant (2).
Genome position (GRCh38, 1-based): chr19:12,899,510, C>T. VCF-style: chr19-12899510-C-T. GRCh37 (hg19) VCF-style: chr19-13010324-C-T.
Other names: c.1244-190C>T (NM_013976.5); c.613-125G>A (NM_001105578.2); short protein forms T429M.
Identifiers: ClinVar variation 557741 (VCV000557741.20), dbSNP rs745360675, ClinGen allele CA9234696.
Genomic context (GRCh38, chr19:12,899,510, plus strand): 5'-TGTATTAATCTTGTCCAGGTACACATGACATTCACGCCCTGATCCTTGGGAGAGCTATCA[C>T]GGGAATCCAGGCGTTCACGGCCAGCAAGTGAGCCGCTCCATCAGGGGCCCGAAACTCTCA-3'
Protein context (NP_000150.1, residues 419-438): IHALILGRAI[Thr429Met]GIQAFTASK

ClinVar aggregate classification (germline): Pathogenic/Likely pathogenic. Review status: criteria provided, multiple submitters, no conflicts (2 of 4 stars). 7 submissions from 7 submitters: Pathogenic (3); Likely pathogenic (3). 1 of the submissions does not count toward it. Last evaluated 2025-06-17.

Conditions:
Glutaric aciduria, type 1. Also called: Glutaric acidemia type I; Glutaricacidemia Type 1; Glutaric Acidemia Type 1; Glutaricaciduria, type I; GA I; Glutaryl-CoA dehydrogenase deficiency. Identifiers: Orphanet 25, MedGen C0268595, MONDO:0009281, OMIM 231670.

Allele frequency attached by ClinVar (database versions not stated): gnomAD exomes 0.00001 and below 0.00001; TOPMed 0.00001; ExAC 0.00002.
gnomAD v4.1: 7 of 1,614,158 alleles (0.00043%); highest among the groups gnomAD compares: South Asian, 0.0022%; no homozygotes.

Submissions (7):

3billion
Classification: Likely pathogenic for Glutaric aciduria, type 1. Last evaluated: 2025-06-17. Review status: criteria provided, single submitter. Criteria: ACMG Guidelines, 2015. Collection method: clinical testing. Allele origin: germline. Affected: yes.
Comment: The variant is observed at an extremely low frequency in the gnomAD v4.1.0 dataset (total allele frequency: <0.001%). Predicted Consequence/Location: Missense variant Functional studies provide moderate evidence of the variant having a damaging effect on the gene or gene product (PMID: 24973495, 9600243). In silico tool predictions suggest damaging effect of the variant on gene or gene product [REVEL: 0.96 (>=0.6, sensitivity 0.68 and specificity 0.92)]. The same nucleotide change resulting in the same amino acid change has been previously reported to be associated with GCDH-related disorder (ClinVar ID: VCV000557741 /PMID: 9600243 /3billion dataset). The variant has been reported to be in trans with a pathogenic variant as either compound heterozygous or homozygous in at least one similarly affected unrelated individual (PMID: 10699052, 24973495, 9600243). Therefore, this variant is classified as Likely pathogenic according to the recommendation of ACMG/AMP guideline.

Labcorp Genetics (formerly Invitae), Labcorp
Classification: Pathogenic for Glutaric aciduria, type 1. Last evaluated: 2025-02-04. Review status: criteria provided, single submitter. Criteria: Invitae Variant Classification Sherloc (09022015). Collection method: clinical testing. Allele origin: germline.
Comment: This sequence change replaces threonine, which is neutral and polar, with methionine, which is neutral and non-polar, at codon 429 of the GCDH protein (p.Thr429Met). This variant is present in population databases (rs745360675, gnomAD 0.006%). This missense change has been observed in individual(s) with glutaric aciduria type I (PMID: 9600243, 10699052, 24973495). ClinVar contains an entry for this variant (Variation ID: 557741). Invitae Evidence Modeling of protein sequence and biophysical properties (such as structural, functional, and spatial information, amino acid conservation, physicochemical variation, residue mobility, and thermodynamic stability) indicates that this missense variant is expected to disrupt GCDH protein function with a positive predictive value of 95%. Experimental studies have shown that this missense change affects GCDH function (PMID: 9600243, 24973495). For these reasons, this variant has been classified as Pathogenic.

Natera, Inc.
Classification: Pathogenic for Glutaric acidemia type 1. Last evaluated: 2024-08-11. Review status: criteria provided, single submitter. Criteria: Natera Variant Classification Schema (03/2026). Collection method: clinical testing. Allele origin: germline.
Comment: The c.1286C>T variant in GCDH is a missense variant predicted to cause substitution of threonine to methionine at amino acid 429. This variant is rare in the general population with a frequency below the threshold expected for the associated phenotype(s). This variant has been observed in one or more individuals affected with the associated recessive disease, as either homozygous or compound heterozygous with a second variant (PMID: 24973495, 35367405, 9600243, 33064266, 37496092). Functional studies show that this variant may disrupt protein function (PMID: 9600243, 15505393). Computational prediction algorithms indicate this variant is likely to affect gene or protein function. Given the available evidence, this variant is classified as Pathogenic.

Fulgent Genetics
Classification: Likely pathogenic for Glutaric aciduria, type 1. Last evaluated: 2024-04-22. Review status: criteria provided, single submitter. Criteria: ACMG Guidelines, 2015. Collection method: clinical testing. Allele origin: germline.

Baylor Genetics
Classification: Likely pathogenic for Glutaric aciduria, type 1. Last evaluated: 2024-02-29. Review status: criteria provided, single submitter. Criteria: ACMG Guidelines, 2015. Collection method: clinical testing. Allele origin: unknown.

Molecular Diagnostics Laboratory, M Health Fairview: University of Minnesota
Classification: Pathogenic for Glutaric aciduria, type 1. Last evaluated: 2018-10-22. Review status: criteria provided, single submitter. Criteria: ACMG Guidelines, 2015. Collection method: clinical testing. Allele origin: germline. Affected: yes. Observed: 1 variant allele.

Counsyl
Classification: Uncertain significance for Glutaric aciduria, type 1. Last evaluated: 2018-04-12. Review status: no assertion criteria provided. Collection method: clinical testing. Allele origin: unknown. Not counted in ClinVar's aggregate classification.

Literature cited by the submitters: PubMed 9600243 (cited by 4 submitters); PubMed 10699052 (cited by 4 submitters); PubMed 24973495 (cited by 5 submitters); PubMed 35367405 (cited by Natera, Inc.); PubMed 33064266 (cited by Natera, Inc.); PubMed 37496092 (cited by Natera, Inc.); PubMed 15505393 (cited by Natera, Inc.); PubMed 12948740 (cited by Counsyl).